The following is an entry in ClinVar:

NM_001148.6(ANK2):c.7368G>C (p.Glu2456Asp)

Genes: ANK2 (ankyrin 2; plus strand), LOC126807137 (CDK7 strongly-dependent group 2 enhancer GRCh37_chr4:114276560-114277759; plus strand). Cytogenetic location: 4q26.
Variant type: single nucleotide variant.
Coding change: c.7368G>C on transcript NM_001148.6 (MANE Select); coding-DNA position 7368, G replaced by C.
Protein change: p.Glu2456Asp; replaces glutamic acid 2456 with aspartic acid.
Molecular consequence: missense variant. On other transcripts: intron variant (68).
Genome position (GRCh38, 1-based): chr4:113,355,986, G>C. VCF-style: chr4-113355986-G-C. GRCh37 (hg19) VCF-style: chr4-114277142-G-C.
Other names: c.4286-4837G>C (NM_001354261.2); c.4166-4837G>C (NM_001386156.1, NM_001354257.2); c.4262-4837G>C (NM_001354264.2); c.4241-4837G>C (NM_001354267.2, NM_001386162.1, NM_001354249.2 and 2 more transcripts); c.4142-4837G>C (NM_001354271.2, NM_001386151.1, NM_001354260.2); c.3944-4837G>C (NM_001386158.1); c.4472-4837G>C (NM_001354241.2, NM_001386144.1, NM_001354240.2); c.4439-4837G>C (NM_001354225.2); and 35 more; short protein forms E1256D, E2378D, E2456D, E2495D, E2503D.
Identifiers: ClinVar variation 4050862 (VCV004050862.1).

ClinVar aggregate classification (germline): Uncertain significance (1 of 4 stars; one submission).

Conditions:
Cardiovascular phenotype. Identifiers: MedGen CN230736.

Submission:

Ambry Genetics
Classification: Uncertain significance for Cardiovascular phenotype. Last evaluated: 2025-04-02. Review status: criteria provided, single submitter. Criteria: Ambry Variant Classification Scheme 2023. Collection method: clinical testing. Allele origin: germline.
Comment: The p.E2456D variant (also known as c.7368G>C), located in coding exon 38 of the ANK2 gene, results from a G to C substitution at nucleotide position 7368. The glutamic acid at codon 2456 is replaced by aspartic acid, an amino acid with highly similar properties. This amino acid position is conserved. In addition, this alteration is predicted to be tolerated by in silico analysis. Based on the available evidence, the clinical significance of this variant remains unclear.